The following is an entry in ClinVar:

ClinVar aggregate classification (germline): Benign. Review status: criteria provided, multiple submitters, no conflicts (2 of 4 stars). 8 submissions from 8 submitters: Benign (7). 1 of the submissions does not count toward it. Last evaluated 2026-02-04.

Conditions:
Ehlers-Danlos syndrome, dermatosparaxis type. Also called: Ehlers-Danlos syndrome, type VII, autosomal recessive; EDS VIIC; Dermatosparaxis. Identifiers: Orphanet 1901, MedGen C2700425, MONDO:0009161, OMIM 225410.

Allele frequency attached by ClinVar (database versions not stated): 1000 Genomes Project 0.12999; 1000 Genomes Project 30x 0.13132; TOPMed 0.16261; ESP Exome Variant Server 0.17246; gnomAD 0.17746 and 0.17766; ExAC 0.20277; gnomAD exomes 0.20646 and 0.23115.
gnomAD v4.1: 363,460 of 1,613,802 alleles (23%); highest among the groups gnomAD compares: Non-Finnish European, 25%; 43,786 homozygotes.

Submissions (8):

Labcorp Genetics (formerly Invitae), Labcorp
Classification: Benign for Ehlers-Danlos syndrome, dermatosparaxis type. Last evaluated: 2026-02-04. Review status: criteria provided, single submitter. Criteria: Invitae Variant Classification Sherloc (09022015). Collection method: clinical testing. Allele origin: germline.

Blueprint Genetics
Classification: Benign. Last evaluated: 2024-11-26. Review status: criteria provided, single submitter. Criteria: ACMG Guidelines, 2015. Collection method: clinical testing. Allele origin: germline.

Genome-Nilou Lab
Classification: Benign for Ehlers-Danlos syndrome, dermatosparaxis type. Last evaluated: 2021-05-18. Review status: criteria provided, single submitter. Criteria: ACMG Guidelines, 2015. Collection method: clinical testing. Allele origin: germline. Affected: no.

Mayo Clinic Laboratories, Mayo Clinic
Classification: Benign. Last evaluated: 2019-03-13. Review status: criteria provided, single submitter. Criteria: ACMG Guidelines, 2015. Collection method: clinical testing. Allele origin: germline. Observed: 1,790 variant alleles.

Women's Health and Genetics/Laboratory Corporation of America, LabCorp
Classification: Benign. Last evaluated: 2018-07-05. Review status: criteria provided, single submitter. Criteria: LabCorp Variant Classification Summary - May 2015. Collection method: clinical testing. Allele origin: germline.
Comment: Variant summary: ADAMTS2 c.2532C>T results in a synonymous change. The variant allele was found at a frequency of 0.2 in 121298 control chromosomes in the ExAC database, including 2859 homozygotes. The observed variant frequency is approximately 70 fold above the estimated maximal expected allele frequency for a pathogenic variant in ADAMTS2 causing Ehlers-Danlos Syndrome, Type VIIC (Dermatosparaxis) phenotype (0.0029), strongly suggesting that the variant is benign. To our knowledge, no occurrence of c.2532C>T in individuals affected with Ehlers-Danlos Syndrome, Type VIIC (Dermatosparaxis) and no experimental evidence demonstrating its impact on protein function have been reported. Two clinical diagnostic laboratories have submitted clinical-significance assessments for this variant to ClinVar after 2014 and both classified the variant as benign. Based on the evidence outlined above, the variant was classified as benign.

Illumina Laboratory Services, Illumina
Classification: Benign for Ehlers-Danlos syndrome, dermatosparaxis type. Last evaluated: 2018-01-13. Review status: criteria provided, single submitter. Criteria: ICSL Variant Classification Criteria 13 December 2019. Collection method: clinical testing. Allele origin: germline.
Comment: This variant was observed in the ICSL laboratory as part of a predisposition screen in an ostensibly healthy population. It had not been previously curated by ICSL or reported in the Human Gene Mutation Database (HGMD: prior to June 1st, 2018), and was therefore a candidate for classification through an automated scoring system. Utilizing variant allele frequency, disease prevalence and penetrance estimates, and inheritance mode, an automated score was calculated to assess if this variant is too frequent to cause the disease. Based on the score and internal cut-off values, a variant classified as benign is not then subjected to further curation. The score for this variant resulted in a classification of benign for this disease.

GeneDx
Classification: Benign. Last evaluated: 2016-09-30. Review status: criteria provided, single submitter. Criteria: GeneDx Variant Classification (06012015). Collection method: clinical testing. Allele origin: germline. Affected: yes.
Comment: This variant is considered likely benign or benign based on one or more of the following criteria: it is a conservative change, it occurs at a poorly conserved position in the protein, it is predicted to be benign by multiple in silico algorithms, and/or has population frequency not consistent with disease.

Natera, Inc.
Classification: Benign for Ehlers-Danlos syndrome type VIIC. Last evaluated: 2020-09-16. Review status: no assertion criteria provided. Collection method: clinical testing. Allele origin: germline. Not counted in ClinVar's aggregate classification.

NM_014244.5(ADAMTS2):c.2532C>T (p.Asp844=)

Gene: ADAMTS2 (ADAM metallopeptidase with thrombospondin type 1 motif 2; minus strand). Cytogenetic location: 5q35.3.
Variant type: single nucleotide variant.
Coding change: c.2532C>T on transcript NM_014244.5 (MANE Select); coding-DNA position 2532, C replaced by T.
Protein change: p.Asp844=; no amino-acid change (aspartic acid 844 retained).
Molecular consequence: synonymous variant.
Genome position (GRCh38, 1-based): chr5:179,128,044, G>A on the plus strand (C>T on the coding strand, the complement: ADAMTS2 is on the minus strand). VCF-style: chr5-179128044-G-A. GRCh37 (hg19) VCF-style: chr5-178555045-G-A.
Other names: p.Asp844=.
Identifiers: ClinVar variation 353102 (VCV000353102.20), dbSNP rs2303644, ClinGen allele CA3595523.